The following is an entry in ClinVar:

ClinVar aggregate classification (germline): Conflicting classifications of pathogenicity. Review status: criteria provided, conflicting classifications (1 of 4 stars). 6 submissions from 6 submitters: Uncertain significance (5); Likely benign (1). Last evaluated 2025-11-23.

Conditions:
Hereditary cancer. Identifiers: MedGen C1333600.
Hereditary cancer-predisposing syndrome. Also called: Neoplastic Syndromes, Hereditary; Tumor predisposition; Hereditary Cancer Syndrome; Hereditary neoplastic syndrome. Identifiers: Orphanet 140162, MedGen C0027672, MeSH D009386, MONDO:0015356.
Familial melanoma. Also called: Hereditary melanoma; Hereditary cutaneous melanoma. Identifiers: Orphanet 618, MedGen C1512419, MONDO:0018961.

gnomAD v4.1: 6 of 1,609,978 alleles (0.00037%); highest among the groups gnomAD compares: Non-Finnish European, 0.00042%; no homozygotes.

Submissions (6):

Labcorp Genetics (formerly Invitae), Labcorp
Classification: Uncertain significance for Familial melanoma. Last evaluated: 2025-11-23. Review status: criteria provided, single submitter. Criteria: Invitae Variant Classification Sherloc (09022015). Collection method: clinical testing. Allele origin: germline.
Comment: This sequence change replaces arginine, which is basic and polar, with glutamine, which is neutral and polar, at codon 24 of the CDKN2A (p16INK4a) protein (p.Arg24Gln). This variant is present in population databases (rs104894097, gnomAD 0.003%). This missense change has been observed in individual(s) with multiple primary melanomas (PMID: 19260062, 21462282). ClinVar contains an entry for this variant (Variation ID: 406714). An algorithm developed to predict the effect of missense changes on protein structure and function outputs the following: PolyPhen-2: "Benign". The glutamine amino acid residue is found in multiple mammalian species, which suggests that this missense change does not adversely affect protein function. Experimental studies are conflicting or provide insufficient evidence to determine the effect of this variant on CDKN2A (p16INK4a) function (PMID: 19260062, 23190892). This variant disrupts the p.Arg24 amino acid residue in CDKN2A (p16INK4a). Other variant(s) that disrupt this residue have been determined to be pathogenic (PMID: 9699728, 9856841, 15146471, 17909018, 18843795, 21801156). This suggests that this residue is clinically significant, and that variants that disrupt this residue are likely to be disease-causing. In summary, the available evidence is currently insufficient to determine the role of this variant in disease. Therefore, it has been classified as a Variant of Uncertain Significance.

Mendelics
Classification: Uncertain significance for Hereditary cancer. Last evaluated: 2025-02-26. Review status: criteria provided, single submitter. Criteria: ACMG Guidelines, 2015. Collection method: clinical testing. Allele origin: unknown.
Comment: The available evidence is insufficient to conclusively determine the role of this variant. Therefore, it is classified as a Variant of Uncertain Significance.

GeneDx
Classification: Uncertain significance. Last evaluated: 2025-02-05. Review status: criteria provided, single submitter. Criteria: GeneDx Variant Classification Process June 2021. Collection method: clinical testing. Allele origin: germline. Affected: yes.
Comment: In silico analysis indicates that this missense variant does not alter protein structure/function; Not observed at significant frequency in large population cohorts (gnomAD); This variant is associated with the following publications: (PMID: 19260062, 35001868, 23190892, 21462282, 39821174)

Ambry Genetics
Classification: Likely benign for Hereditary cancer-predisposing syndrome. Last evaluated: 2023-09-21. Review status: criteria provided, single submitter. Criteria: Ambry Variant Classification Scheme 2023. Collection method: clinical testing. Allele origin: germline.

Color Diagnostics, LLC DBA Color Health
Classification: Uncertain significance for Hereditary cancer-predisposing syndrome. Last evaluated: 2023-08-01. Review status: criteria provided, single submitter. Criteria: ACMG Guidelines, 2015. Collection method: clinical testing. Allele origin: germline.
Comment: This missense variant replaces arginine with glutamine at codon 24 of the CDKN2A (p16INK4A) protein. Computational prediction suggests that this variant may not impact protein structure and function (internally defined REVEL score threshold <= 0.5, PMID: 27666373). Some functional studies have shown the mutant protein to exhibit near normal CDK4 binding activity and cell cycle control activity (PMID: 19260062, 35001868), while other study has shown a significant loss of cell cycle control activity (PMID: 23190892). This variant has been observed in two individuals affected with multiple primary melanomas (PMID: 19260062, 21462282). This variant has been identified in 3/236656 chromosomes in the general population by the Genome Aggregation Database (gnomAD). The available evidence is insufficient to determine the role of this variant in disease conclusively. Therefore, this variant is classified as a Variant of Uncertain Significance.

Quest Diagnostics Nichols Institute San Juan Capistrano
Classification: Uncertain significance. Last evaluated: 2019-10-03. Review status: criteria provided, single submitter. Criteria: Quest Diagnostics criteria. Collection method: clinical testing. Allele origin: unknown.

Literature cited by the submitters: PubMed 19260062 (cited by 4 submitters); PubMed 21462282 (cited by 4 submitters); PubMed 23190892 (cited by 4 submitters); PubMed 9699728 (cited by Labcorp Genetics (formerly Invitae), Labcorp); PubMed 9856841 (cited by Labcorp Genetics (formerly Invitae), Labcorp); PubMed 15146471 (cited by Labcorp Genetics (formerly Invitae), Labcorp); PubMed 17909018 (cited by Labcorp Genetics (formerly Invitae), Labcorp and Ambry Genetics); PubMed 18843795 (cited by Labcorp Genetics (formerly Invitae), Labcorp); PubMed 21801156 (cited by Labcorp Genetics (formerly Invitae), Labcorp and Quest Diagnostics Nichols Institute San Juan Capistrano); PubMed 28440912 (cited by Ambry Genetics); PubMed 35001868 (cited by Ambry Genetics and Color Diagnostics, LLC DBA Color Health).

NM_000077.5(CDKN2A):c.71G>A (p.Arg24Gln)

Gene: CDKN2A (cyclin dependent kinase inhibitor 2A; minus strand). Cytogenetic location: 9p21.3.
Variant type: single nucleotide variant.
Coding change: c.71G>A on transcript NM_000077.5; coding-DNA position 71, G replaced by A.
Protein change: p.Arg24Gln; replaces arginine 24 with glutamine.
Molecular consequence: missense variant (on NM_000077.6). On other transcripts: intron variant (2).
Genome position (GRCh38, 1-based): chr9:21,974,757, C>T on the plus strand (G>A on the coding strand, the complement: CDKN2A is on the minus strand). VCF-style: chr9-21974757-C-T. GRCh37 (hg19) VCF-style: chr9-21974756-C-T.
Other names: c.71G>A, p.Arg24Gln (NM_000077.6, NM_001195132.2, NM_058197.5); c.-3-3549G>A (NM_001363763.2); c.194-3549G>A (NM_058195.4); short protein forms R24Q.
Identifiers: ClinVar variation 406714 (VCV000406714.20), dbSNP rs104894097, ClinGen allele CA5012323.